The following is an entry in ClinVar:

ClinVar aggregate classification (germline): Pathogenic. Review status: reviewed by expert panel (3 of 4 stars). 2 submissions from 2 submitters: Pathogenic (1). 1 of the submissions does not count toward it. Last evaluated 2017-12-15.

Conditions:
Familial cancer of breast. Also called: BREAST CANCER, FAMILIAL; Hereditary breast cancer; hereditary breast carcinoma. Identifiers: Orphanet 227535, MedGen C0346153, MONDO:0016419, OMIM 114480. Disease mechanism: loss of function.
Breast-ovarian cancer, familial, susceptibility to, 2 (BROVCA2). Also called: BRCA2 Hereditary Breast and Ovarian Cancer. Identifiers: Orphanet 145, MedGen C2675520, MONDO:0012933, OMIM 612555. Disease mechanism: loss of function.

Submissions (2):

Evidence-based Network for the Interpretation of Germline Mutant Alleles (ENIGMA)
Classification: Pathogenic for Breast-ovarian cancer, familial, susceptibility to, 2. Last evaluated: 2017-12-15. Review status: reviewed by expert panel. Criteria: ENIGMA BRCA1/2 Classification Criteria (2017-06-29). Collection method: curation. Allele origin: germline. Study: ENIGMA.
Comment: Variant allele predicted to encode a truncated non-functional protein.

ClinVar Staff, National Center for Biotechnology Information (NCBI)
No classification provided. Condition: Familial cancer of breast. Review status: no classification provided. Collection method: literature only. Allele origin: germline. Affected: yes. Not counted in ClinVar's aggregate classification.

Literature cited by the submitters: PubMed 12112655 (cited by ClinVar Staff, National Center for Biotechnology Information (NCBI)).

NM_000059.4(BRCA2):c.8415dup (p.Ser2806fs)

Gene: BRCA2 (BRCA2 DNA repair associated; plus strand). Cytogenetic location: 13q13.1.
Variant type: Duplication.
Coding change: c.8415dup on transcript NM_000059.4 (MANE Select); coding-DNA position 8415, one base duplicated (A; older notation c.8415dupA).
Protein change: p.Ser2806fs; shifts the reading frame from serine 2806.
Molecular consequence: frameshift variant.
Genome position (GRCh38, 1-based): chr13:32,370,485, A duplicated. VCF-style (leftmost placement, unchanged base first): chr13-32370484-T-TA. GRCh37 (hg19) VCF-style: chr13-32944621-T-TA.
Other names: c.8415dupA (NM_000059.3); short protein forms S2806fs.
Identifiers: ClinVar variation 52580 (VCV000052580.3), dbSNP rs397507985, ClinGen allele CA025632.
Genomic context (GRCh38, chr13:32,370,484, plus strand): 5'-CTGCTCGCTGGTATACCAAACTTGGATTCTTTCCTGACCCTAGACCTTTTCCTCTGCCCT[T>TA]ATCATCGCTTTTCAGTGATGGAGGAAATGTTGGTTGTGTTGATGTAATTATTCAAAGAGC-3'